The following is an entry in ClinVar:

NM_007272.3(CTRC):c.22G>A (p.Ala8Thr)

Gene: CTRC (chymotrypsin C; plus strand). Cytogenetic location: 1p36.21.
Variant type: single nucleotide variant.
Coding change: c.22G>A on transcript NM_007272.3 (MANE Select); coding-DNA position 22, G replaced by A.
Protein change: p.Ala8Thr; replaces alanine 8 with threonine.
Molecular consequence: missense variant.
Genome position (GRCh38, 1-based): chr1:15,438,486, G>A. VCF-style: chr1-15438486-G-A. GRCh37 (hg19) VCF-style: chr1-15764982-G-A.
Other names: short protein forms A8T.
Identifiers: ClinVar variation 1059745 (VCV001059745.13), dbSNP rs767349844, ClinGen allele CA613178.

ClinVar aggregate classification (germline): Uncertain significance. Review status: criteria provided, multiple submitters, no conflicts (2 of 4 stars). 2 submissions from 2 submitters: Uncertain significance (2). Last evaluated 2025-10-22.

Conditions:
Hereditary pancreatitis (PCTT). Also called: Hereditary chronic pancreatitis; PRSS1-Related Hereditary Pancreatitis. Identifiers: Orphanet 676, MedGen C0238339, MONDO:0008185, OMIM 167800.

Allele frequency attached by ClinVar (database versions not stated): TOPMed below 0.00001; gnomAD 0.00001; gnomAD exomes 0.00001 and 0.00002; ExAC 0.00002.
gnomAD v4.1: 22 of 1,614,058 alleles (0.0014%); highest among the groups gnomAD compares: South Asian, 0.0088%; no homozygotes.

Submissions (2):

Ambry Genetics
Classification: Uncertain significance for Hereditary pancreatitis. Last evaluated: 2025-10-22. Review status: criteria provided, single submitter. Criteria: Ambry Variant Classification Scheme 2023. Collection method: clinical testing. Allele origin: germline.

Labcorp Genetics (formerly Invitae), Labcorp
Classification: Uncertain significance for Hereditary pancreatitis. Last evaluated: 2020-08-20. Review status: criteria provided, single submitter. Criteria: Invitae Variant Classification Sherloc (09022015). Collection method: clinical testing. Allele origin: germline.
Comment: This sequence change replaces alanine with threonine at codon 8 of the CTRC protein (p.Ala8Thr). The alanine residue is moderately conserved and there is a small physicochemical difference between alanine and threonine. In summary, the available evidence is currently insufficient to determine the role of this variant in disease. Therefore, it has been classified as a Variant of Uncertain Significance. Advanced modeling of protein sequence and biophysical properties (such as structural, functional, and spatial information, amino acid conservation, physicochemical variation, residue mobility, and thermodynamic stability) performed at Invitae indicates that this missense variant is not expected to disrupt CTRC protein function. This variant has not been reported in the literature in individuals with CTRC-related conditions. This variant is present in population databases (rs767349844, ExAC 0.02%).